The following is an entry in ClinVar:

NM_001927.4(DES):c.1374C>T (p.Val458=)

Gene: DES (desmin; plus strand). Cytogenetic location: 2q35.
Variant type: single nucleotide variant.
Coding change: c.1374C>T on transcript NM_001927.4 (MANE Select); coding-DNA position 1374, C replaced by T.
Protein change: p.Val458=; no amino-acid change (valine 458 retained).
Molecular consequence: synonymous variant.
Genome position (GRCh38, 1-based): chr2:219,425,951, C>T. VCF-style: chr2-219425951-C-T. GRCh37 (hg19) VCF-style: chr2-220290673-C-T.
Identifiers: ClinVar variation 163029 (VCV000163029.16), dbSNP rs727502952, ClinGen allele CA175626.

ClinVar aggregate classification (germline): Likely benign. Review status: criteria provided, multiple submitters, no conflicts (2 of 4 stars). 4 submissions from 4 submitters: Likely benign (4). Last evaluated 2025-12-01.

Conditions:
Cardiovascular phenotype. Identifiers: MedGen CN230736.
Desmin-related myofibrillar myopathy (MFM1). Also called: Desminopathy; Myofibrillar myopathy 1; MYOFIBRILLAR MYOPATHY WITH ARRHYTHMOGENIC RIGHT VENTRICULAR CARDIOMYOPATHY; DESMIN-RELATED MYOPATHY WITH ARRHYTHMOGENIC RIGHT VENTRICULAR CARDIOMYOPATHY; Desmin related myopathy (former name); Desmin storage myopathy (former name). Identifiers: Orphanet 363543, Orphanet 98909, MedGen C1832370, MONDO:0011076, OMIM 601419.

Allele frequency attached by ClinVar (database versions not stated): gnomAD below 0.00001 and 0.00001; TOPMed 0.00001; gnomAD exomes 0.00004 and 0.00007; ExAC 0.00009.
gnomAD v4.1: 61 of 1,613,888 alleles (0.0038%); highest among the groups gnomAD compares: South Asian, 0.06%; no homozygotes.

Submissions (4):

Labcorp Genetics (formerly Invitae), Labcorp
Classification: Likely benign for Desmin-related myofibrillar myopathy. Last evaluated: 2025-12-01. Review status: criteria provided, single submitter. Criteria: Invitae Variant Classification Sherloc (09022015). Collection method: clinical testing. Allele origin: germline.

Ambry Genetics
Classification: Likely benign for Cardiovascular phenotype. Last evaluated: 2023-01-01. Review status: criteria provided, single submitter. Criteria: Ambry Variant Classification Scheme 2023. Collection method: clinical testing. Allele origin: germline.

Blueprint Genetics
Classification: Likely benign. Last evaluated: 2019-03-05. Review status: criteria provided, single submitter. Criteria: ACMG Guidelines, 2015. Collection method: clinical testing. Allele origin: germline.

Laboratory for Molecular Medicine, Mass General Brigham Personalized Medicine
Classification: Likely benign. Last evaluated: 2013-09-06. Review status: criteria provided, single submitter. Criteria: LMM Criteria. Collection method: clinical testing. Allele origin: germline. Observed: 1 variant allele.
Comment: Val458Val in exon 9 of DES: This variant is not expected to have clinical signif icance because it does not alter an amino acid residue and is not located within the splice consensus sequence. Val458Val in exon 9 of DES (allele frequency = n/a)